The following is an entry in ClinVar:

NM_002519.3(NPAT):c.1009A>G (p.Thr337Ala)

Gene: NPAT (nuclear protein, coactivator of histone transcription; minus strand). Cytogenetic location: 11q22.3.
Variant type: single nucleotide variant.
Coding change: c.1009A>G on transcript NM_002519.3 (MANE Select); coding-DNA position 1009, A replaced by G.
Protein change: p.Thr337Ala; replaces threonine 337 with alanine.
Molecular consequence: missense variant.
Genome position (GRCh38, 1-based): chr11:108,176,369, T>C on the plus strand (A>G on the coding strand, the complement: NPAT is on the minus strand). VCF-style: chr11-108176369-T-C. GRCh37 (hg19) VCF-style: chr11-108047096-T-C.
Other names: c.1009A>G, p.Thr337Ala (NM_001321307.1); short protein forms T337A.
Identifiers: ClinVar variation 1794109 (VCV001794109.2), dbSNP rs2496725948, ClinGen allele CA382517036.

ClinVar aggregate classification (germline): Uncertain significance (1 of 4 stars; one submission).

Submission:

Ambry Genetics
Classification: Uncertain significance. Last evaluated: 2022-08-09. Review status: criteria provided, single submitter. Criteria: Ambry Variant Classification Scheme 2023. Collection method: clinical testing. Allele origin: germline.
Comment: The p.T337A variant (also known as c.1009A>G), located in coding exon 12 of the NPAT gene, results from an A to G substitution at nucleotide position 1009. The threonine at codon 337 is replaced by alanine, an amino acid with similar properties. This amino acid position is conserved. In addition, this alteration is predicted to be tolerated by in silico analysis. Since supporting evidence is limited at this time, the clinical significance of this alteration remains unclear.